The following is an entry in ClinVar:

ClinVar aggregate classification (germline): Conflicting classifications of pathogenicity. Review status: criteria provided, conflicting classifications (1 of 4 stars). 5 submissions from 5 submitters: Uncertain significance (4); Likely benign (1). Last evaluated 2025-08-15.

Conditions:
Familial isolated arrhythmogenic right ventricular dysplasia. Identifiers: Orphanet 217656, MedGen C4274968, MONDO:0016342.
Cardiovascular phenotype. Identifiers: MedGen CN230736.
Cardiomyopathy (CMYO). Also called: Cardiomyopathies. Identifiers: Orphanet 167848, MedGen C0878544, MONDO:0004994, HP:0001638. Inheritance: Various modes of inheritance.
Arrhythmogenic right ventricular dysplasia 11. Also called: Arrhythmogenic Right Ventricular Dysplasia/Cardiomyopathy11; ARRHYTHMOGENIC RIGHT VENTRICULAR DYSPLASIA, FAMILIAL, 11; Arrhythmogenic right ventricular dysplasia 11 with mild palmoplantar keratoderma and woolly hair. Identifiers: MedGen C1864850, MONDO:0012506, OMIM 610476.

Allele frequency attached by ClinVar (database versions not stated): TOPMed 0.00002; ESP Exome Variant Server 0.00008; gnomAD 0.00001; ExAC 0.00001.
gnomAD v4.1: 63 of 1,613,770 alleles (0.0039%); highest among the groups gnomAD compares: Non-Finnish European, 0.0052%; no homozygotes.

Submissions (5):

GeneDx
Classification: Uncertain significance. Last evaluated: 2025-08-15. Review status: criteria provided, single submitter. Criteria: GeneDx Variant Classification Process June 2021. Collection method: clinical testing. Allele origin: germline. Affected: yes.
Comment: Not observed at significant frequency in large population cohorts (gnomAD); In silico analysis supports that this missense variant has a deleterious effect on protein structure/function; Has not been previously published as pathogenic or benign to our knowledge

Ambry Genetics
Classification: Uncertain significance for Cardiovascular phenotype. Last evaluated: 2025-03-21. Review status: criteria provided, single submitter. Criteria: Ambry Variant Classification Scheme 2023. Collection method: clinical testing. Allele origin: germline.
Comment: The p.R479C variant (also known as c.1435C>T), located in coding exon 10 of the DSC2 gene, results from a C to T substitution at nucleotide position 1435. The arginine at codon 479 is replaced by cysteine, an amino acid with highly dissimilar properties. This amino acid position is not well conserved in available vertebrate species. In addition, this alteration is predicted to be tolerated by in silico analysis. Since supporting evidence is limited at this time, the clinical significance of this alteration remains unclear.

Color Diagnostics, LLC DBA Color Health
Classification: Likely benign for Cardiomyopathy. Last evaluated: 2025-03-03. Review status: criteria provided, single submitter. Criteria: ACMG Guidelines, 2015. Collection method: clinical testing. Allele origin: germline.

All of Us Research Program, National Institutes of Health
Classification: Uncertain significance for Familial isolated arrhythmogenic right ventricular dysplasia. Last evaluated: 2024-02-22. Review status: criteria provided, single submitter. Criteria: ACMG Guidelines, 2015. Collection method: clinical testing. Allele origin: germline. Inheritance: Autosomal dominant inheritance. Observed: 3 variant alleles, 3 heterozygotes.
Comment: This missense variant replaces arginine with cysteine at codon 479 of the DSC2 protein. Computational prediction tools and conservation analyses are inconclusive regarding the impact of this variant on protein function. Computational splicing tools suggest that this variant may not impact RNA splicing. To our knowledge, functional assays have not been performed for this variant nor has this variant been reported in individuals affected with cardiovascular disorders in the literature. This variant has been identified in 3/251214 chromosomes in the general population by the Genome Aggregation Database (gnomAD). Available evidence is insufficient to determine the role of this variant in disease conclusively. Therefore, this variant is classified as a Variant of Uncertain Significance.

This study involves interpretation of variants in research participants for the purpose of population health screening. Participant phenotype was not available at the time of variant classification. Additional details can be found in publication PMID: 35346344, PMCID: PMC8962531

Labcorp Genetics (formerly Invitae), Labcorp
Classification: Uncertain significance for Arrhythmogenic right ventricular dysplasia 11. Last evaluated: 2023-10-28. Review status: criteria provided, single submitter. Criteria: Invitae Variant Classification Sherloc (09022015). Collection method: clinical testing. Allele origin: germline.
Comment: This sequence change replaces arginine, which is basic and polar, with cysteine, which is neutral and slightly polar, at codon 479 of the DSC2 protein (p.Arg479Cys). This variant is present in population databases (rs138761522, gnomAD 0.003%). This variant has not been reported in the literature in individuals affected with DSC2-related conditions. Advanced modeling of protein sequence and biophysical properties (such as structural, functional, and spatial information, amino acid conservation, physicochemical variation, residue mobility, and thermodynamic stability) performed at Invitae indicates that this missense variant is not expected to disrupt DSC2 protein function with a negative predictive value of 80%. In summary, the available evidence is currently insufficient to determine the role of this variant in disease. Therefore, it has been classified as a Variant of Uncertain Significance.

NM_024422.6(DSC2):c.1435C>T (p.Arg479Cys)

Gene: DSC2 (desmocollin 2; minus strand). Cytogenetic location: 18q12.1.
Variant type: single nucleotide variant.
Coding change: c.1435C>T on transcript NM_024422.6 (MANE Select); coding-DNA position 1435, C replaced by T.
Protein change: p.Arg479Cys; replaces arginine 479 with cysteine.
Molecular consequence: missense variant.
Genome position (GRCh38, 1-based): chr18:31,080,181, G>A on the plus strand (C>T on the coding strand, the complement: DSC2 is on the minus strand). VCF-style: chr18-31080181-G-A. GRCh37 (hg19) VCF-style: chr18-28660147-G-A.
Other names: c.1435C>T, p.Arg479Cys (NM_004949.5); short protein forms R479C.
Identifiers: ClinVar variation 518732 (VCV000518732.19), dbSNP rs138761522, ClinGen allele CA031357.